The following is an entry in ClinVar:

ClinVar aggregate classification (germline): Uncertain significance. Review status: criteria provided, multiple submitters, no conflicts (2 of 4 stars). 2 submissions from 2 submitters: Uncertain significance (2). Last evaluated 2025-04-10.

Conditions:
Inborn genetic diseases. Identifiers: MedGen C0950123, MeSH D030342.

Submissions (2):

Ambry Genetics
Classification: Uncertain significance for Inborn genetic diseases. Last evaluated: 2025-04-10. Review status: criteria provided, single submitter. Criteria: Ambry Variant Classification Scheme 2023. Collection method: clinical testing. Allele origin: germline.

GeneDx
Classification: Uncertain significance. Last evaluated: 2023-10-19. Review status: criteria provided, single submitter. Criteria: GeneDx Variant Classification Process June 2021. Collection method: clinical testing. Allele origin: germline. Affected: yes.
Comment: Not observed at significant frequency in large population cohorts (gnomAD); In silico analysis supports that this missense variant has a deleterious effect on protein structure/function; Has not been previously published as pathogenic or benign to our knowledge

NM_001377142.1(PLCB4):c.1919G>A (p.Arg640Gln)

Gene: PLCB4 (phospholipase C beta 4; plus strand). Cytogenetic location: 20p12.2.
Variant type: single nucleotide variant.
Coding change: c.1919G>A on transcript NM_001377142.1 (MANE Select); coding-DNA position 1919, G replaced by A.
Protein change: p.Arg640Gln; replaces arginine 640 with glutamine.
Molecular consequence: missense variant.
Genome position (GRCh38, 1-based): chr20:9,409,101, G>A. VCF-style: chr20-9409101-G-A. GRCh37 (hg19) VCF-style: chr20-9389748-G-A.
Other names: c.1883G>A, p.Arg628Gln (NM_000933.4, NM_001377134.2, NM_001377135.1 and 2 more transcripts); c.1919G>A, p.Arg640Gln (NM_001172646.2, NM_001377143.1); short protein forms R628Q, R640Q.
Identifiers: ClinVar variation 3363323 (VCV003363323.2).